The following is an entry in ClinVar:

ClinVar aggregate classification (germline): Benign. Review status: criteria provided, multiple submitters, no conflicts (2 of 4 stars). 5 submissions from 5 submitters: Benign (5). Last evaluated 2026-02-04.

Conditions:
Leber congenital amaurosis 16 (LCA16). Identifiers: Orphanet 65, MedGen C3280062, MONDO:0013613, OMIM 614186.

Allele frequency attached by ClinVar (database versions not stated): gnomAD 0.30548 and 0.31629; TOPMed 0.30876; ESP Exome Variant Server 0.32131; gnomAD exomes 0.34891 and 0.36127; 1000 Genomes Project 30x 0.35290; ExAC 0.35479; 1000 Genomes Project 0.36002.
gnomAD v4.1: 571,473 of 1,600,060 alleles (36%); highest among the groups gnomAD compares: South Asian, 63%; 107,286 homozygotes.

Submissions (5):

Labcorp Genetics (formerly Invitae), Labcorp
Classification: Benign. Last evaluated: 2026-02-04. Review status: criteria provided, single submitter. Criteria: Invitae Variant Classification Sherloc (09022015). Collection method: clinical testing. Allele origin: germline.

Blueprint Genetics
Classification: Benign. Last evaluated: 2024-11-26. Review status: criteria provided, single submitter. Criteria: ACMG Guidelines, 2015. Collection method: clinical testing. Allele origin: germline.

GeneDx
Classification: Benign. Last evaluated: 2021-06-19. Review status: criteria provided, single submitter. Criteria: GeneDx Variant Classification Process June 2021. Collection method: clinical testing. Allele origin: germline. Affected: yes.

Illumina Laboratory Services, Illumina
Classification: Benign for Leber congenital amaurosis 16. Last evaluated: 2018-01-12. Review status: criteria provided, single submitter. Criteria: ICSL Variant Classification Criteria 13 December 2019. Collection method: clinical testing. Allele origin: germline.
Comment: This variant was observed in the ICSL laboratory as part of a predisposition screen in an ostensibly healthy population. It had not been previously curated by ICSL or reported in the Human Gene Mutation Database (HGMD: prior to June 1st, 2018), and was therefore a candidate for classification through an automated scoring system. Utilizing variant allele frequency, disease prevalence and penetrance estimates, and inheritance mode, an automated score was calculated to assess if this variant is too frequent to cause the disease. Based on the score and internal cut-off values, a variant classified as benign is not then subjected to further curation. The score for this variant resulted in a classification of benign for this disease.

Breakthrough Genomics
Classification: Benign. Review status: criteria provided, single submitter. Criteria: ACMG Guidelines, 2015. Collection method: not provided. Allele origin: germline. Inheritance: Autosomal recessive inheritance. Affected: yes.

NM_002242.4(KCNJ13):c.524C>T (p.Thr175Ile)

Genes: GIGYF2 (GRB10 interacting GYF protein 2; plus strand), KCNJ13 (potassium inwardly rectifying channel subfamily J member 13; minus strand). Cytogenetic location: 2q37.1.
Variant type: single nucleotide variant.
Coding change: c.524C>T on transcript NM_002242.4 (MANE Select); coding-DNA position 524, C replaced by T.
Protein change: p.Thr175Ile; replaces threonine 175 with isoleucine.
Molecular consequence: missense variant. On other transcripts: 3 prime UTR variant (1), intron variant (4).
Genome position (GRCh38, 1-based): chr2:232,768,750, G>A on the plus strand (C>T on the coding strand, the complement: KCNJ13 is on the minus strand). VCF-style: chr2-232768750-G-A. GRCh37 (hg19) VCF-style: chr2-233633460-G-A.
Other names: c.*3C>T (NM_001172416.1); c.284C>T, p.Thr95Ile (NM_001172417.1); c.532+7314G>A (NM_001103146.3, NM_015575.4, NM_001103147.2 and 1 more transcripts); short protein forms T175I, T95I.
Identifiers: ClinVar variation 335056 (VCV000335056.17), dbSNP rs1801251, ClinGen allele CA2170017.
Genomic context (GRCh38, chr2:232,768,750, plus strand): 5'-CGGGTGTTGGCCACTTGGAAGATAAGATTAGGTTTGCCATCCATGTGAGCTACTACTGCT[G>A]TGTCAGTAAAGCGAATTGAAAAAGCTCGATTTTTTGGCCGGGCAATCTTCGCCACAAAAG-3'
Protein context (NP_002233.2, residues 165-185): NRAFSIRFTD[Thr175Ile]AVVAHMDGKP